The following is an entry in ClinVar:

ClinVar aggregate classification (germline): Conflicting classifications of pathogenicity. Review status: criteria provided, conflicting classifications (1 of 4 stars). 5 submissions from 5 submitters: Uncertain significance (4); Likely benign (1). Last evaluated 2026-06-30.

Conditions:
Hereditary breast ovarian cancer syndrome. Also called: BRCA1- and BRCA2-Associated Hereditary Breast and Ovarian Cancer; Hereditary breast and ovarian cancer syndrome (HBOC); Hereditary breast and ovarian cancer syndrome; Breast and ovarian cancer; Hereditary breast and ovarian cancer; Hereditary breast and/or ovarian cancer syndrome. Identifiers: Orphanet 145, MedGen C0677776, MeSH D061325, MONDO:0003582. Disease mechanism: loss of function.
Hereditary cancer-predisposing syndrome. Also called: Hereditary Cancer Syndrome; Hereditary neoplastic syndrome; Neoplastic Syndromes, Hereditary; Tumor predisposition. Identifiers: Orphanet 140162, MedGen C0027672, MeSH D009386, MONDO:0015356.
Breast-ovarian cancer, familial, susceptibility to, 1 (BROVCA1). Also called: OVARIAN CANCER, SUSCEPTIBILITY TO; BRCA1 Hereditary Breast and Ovarian Cancer. Identifiers: Orphanet 145, MedGen C2676676, MONDO:0011450, OMIM 604370. Disease mechanism: loss of function.

Submissions (5):

Women's Health and Genetics/Laboratory Corporation of America, LabCorp
Classification: Uncertain significance. Last evaluated: 2026-06-30. Review status: criteria provided, single submitter. Criteria: LabCorp Variant Classification Summary - May 2015. Collection method: clinical testing. Allele origin: germline.
Comment: Variant summary: BRCA1 c.1661A>G (p.Glu554Gly) results in a non-conservative amino acid change in the encoded protein sequence. Algorithms developed to predict the effect of missense changes on protein structure and function are either unavailable or do not agree on the potential impact of this missense change. The variant was absent in 250846 control chromosomes. The available data on variant occurrences in the general population are insufficient to allow any conclusion about variant significance. c.1661A>G has been observed in individual(s) affected with BRCA1-related conditions without strong evidence for causality (e.g. Saez_2024). These report(s) do not provide unequivocal conclusions about association of the variant with disease. To our knowledge, no experimental evidence demonstrating an impact on protein function has been reported. The following publication has been ascertained in the context of this evaluation (PMID: 39438962). ClinVar contains an entry for this variant (Variation ID: 819777). Based on the evidence outlined above, the variant was classified as uncertain significance.

All of Us Research Program, National Institutes of Health
Classification: Uncertain significance for Breast-ovarian cancer, familial, susceptibility to, 1. Last evaluated: 2023-05-31. Review status: criteria provided, single submitter. Criteria: ACMG Guidelines, 2015. Collection method: clinical testing. Allele origin: germline. Inheritance: Autosomal dominant inheritance. Observed: 1 variant allele, 1 heterozygote.
Comment: This study involves interpretation of variants in research participants for the purpose of population health screening. Participant phenotype was not available at the time of variant classification. Additional details can be found in publication PMID: 35346344, PMCID: PMC8962531

University of Washington Department of Laboratory Medicine, University of Washington
Classification: Likely benign for Hereditary cancer-predisposing syndrome. Last evaluated: 2023-03-23. Review status: criteria provided, single submitter. Criteria: Dines et al. (Genet Med. 2020). Collection method: curation. Allele origin: germline.
Comment: Missense variant in a coldspot region where missense variants are very unlikely to be pathogenic (PMID:31911673).

BRCA1 coldspot (exon 11 using historical exon numbering). Reclassification based on statistical prior probability

Ambry Genetics
Classification: Uncertain significance for Hereditary cancer-predisposing syndrome. Last evaluated: 2019-12-02. Review status: criteria provided, single submitter. Criteria: Ambry Variant Classification Scheme 2023. Collection method: clinical testing. Allele origin: germline.
Comment: The p.E554G variant (also known as c.1661A>G), located in coding exon 9 of the BRCA1 gene, results from an A to G substitution at nucleotide position 1661. The glutamic acid at codon 554 is replaced by glycine, an amino acid with similar properties. This amino acid position is well conserved in available vertebrate species. In addition, the in silico prediction for this alteration is inconclusive. Since supporting evidence is limited at this time, the clinical significance of this alteration remains unclear.

Labcorp Genetics (formerly Invitae), Labcorp
Classification: Uncertain significance for Hereditary breast ovarian cancer syndrome. Last evaluated: 2019-06-12. Review status: criteria provided, single submitter. Criteria: Invitae Variant Classification Sherloc (09022015). Collection method: clinical testing. Allele origin: germline.
Comment: This variant is not present in population databases (ExAC no frequency). This sequence change replaces glutamic acid with glycine at codon 554 of the BRCA1 protein (p.Glu554Gly). The glutamic acid residue is moderately conserved and there is a moderate physicochemical difference between glutamic acid and glycine. This variant has not been reported in the literature in individuals with BRCA1-related conditions. Algorithms developed to predict the effect of missense changes on protein structure and function (SIFT, PolyPhen-2, Align-GVGD) all suggest that this variant is likely to be tolerated, but these predictions have not been confirmed by published functional studies and their clinical significance is uncertain. In summary, the available evidence is currently insufficient to determine the role of this variant in disease. Therefore, it has been classified as a Variant of Uncertain Significance.

Literature cited by the submitters: PubMed 39438962 (cited by Women's Health and Genetics/Laboratory Corporation of America, LabCorp).

NM_007294.4(BRCA1):c.1661A>G (p.Glu554Gly)

Gene: BRCA1 (BRCA1 DNA repair associated; minus strand). Cytogenetic location: 17q21.31.
Variant type: single nucleotide variant.
Coding change: c.1661A>G on transcript NM_007294.4 (MANE Select); coding-DNA position 1661, A replaced by G.
Protein change: p.Glu554Gly; replaces glutamic acid 554 with glycine.
Molecular consequence: missense variant. On other transcripts: intron variant (137).
Genome position (GRCh38, 1-based): chr17:43,093,870, T>C on the plus strand (A>G on the coding strand, the complement: BRCA1 is on the minus strand). VCF-style: chr17-43093870-T-C. GRCh37 (hg19) VCF-style: chr17-41245887-T-C.
Other names: c.1448A>G, p.Glu483Gly (NM_001407571.1, NM_001407853.1, NM_001407894.1 and 9 more transcripts); c.1661A>G, p.Glu554Gly (NM_001407581.1, NM_001407582.1, NM_001407583.1 and 30 more transcripts); c.1658A>G, p.Glu553Gly (NM_001407587.1, NM_001407590.1, NM_001407591.1 and 22 more transcripts); c.1652A>G, p.Glu551Gly (NM_001407646.1, NM_001407647.1); c.1580A>G, p.Glu527Gly (NM_001407659.1, NM_001407660.1, NM_001407661.1 and 1 more transcripts); c.1583A>G, p.Glu528Gly (NM_001407663.1, NM_001407653.1, NM_001407654.1 and 4 more transcripts); c.1538A>G, p.Glu513Gly (NM_001407664.1, NM_001407665.1, NM_001407666.1 and 19 more transcripts); c.1535A>G, p.Glu512Gly (NM_001407685.1, NM_001407686.1, NM_001407940.1 and 11 more transcripts); and 40 more; short protein forms E507G, E554G, E386G, E443G, E486G, E487G, E258G, E426G.
Identifiers: ClinVar variation 819777 (VCV000819777.19), dbSNP rs1597874812, ClinGen allele CA10598713.
Genomic context (GRCh38, chr17:43,093,870, plus strand): 5'-AGTGATTCTATTGGGTTAGGATTTTTCTCATTCTGAATAGAATCACCTTTTGTTTTATTC[T>C]CATGACCACTATTAGTAATATTCATCACTTGACCATTCTGCTCCGTTTGGTTAGTTCCCT-3'
Protein context (NP_009225.1, residues 544-564): QVMNITNSGH[Glu554Gly]NKTKGDSIQN